The following is an entry in ClinVar:

NM_001267550.2(TTN):c.81942del (p.Glu27315fs)

Genes: TTN (titin; minus strand), TTN-AS1 (TTN antisense RNA 1; plus strand). Cytogenetic location: 2q31.2.
Variant type: Deletion.
Coding change: c.81942del on transcript NM_001267550.2 (MANE Select); coding-DNA position 81942, one base deleted (A; older notation c.81942delA).
Protein change: p.Glu27315fs; shifts the reading frame from glutamic acid 27315.
Molecular consequence: frameshift variant.
Genome position (GRCh38, 1-based): chr2:178,564,190, T deleted on the plus strand (A on the coding strand, the reverse complement: TTN is on the minus strand); the first of 4 consecutive T bases (chr2:178,564,190-178,564,193); deleting any one gives the same sequence. VCF-style (leftmost placement, unchanged base first): chr2-178564189-CT-C. GRCh37 (hg19) VCF-style: chr2-179428916-CT-C.
Other names: c.77019del, p.Glu25674fs (NM_001256850.1); c.54747del, p.Glu18250fs (NM_003319.4); c.74238del, p.Glu24747fs (NM_133378.4); c.55122del, p.Glu18375fs (NM_133432.3); c.55323del, p.Glu18442fs (NM_133437.4); short protein forms E18442fs, E27315fs, E18375fs, E25674fs, E18250fs, E24747fs.
Identifiers: ClinVar variation 2924102 (VCV002924102.5), dbSNP rs2468195562, ClinGen allele CA2586965300.

ClinVar aggregate classification (germline): Pathogenic/Likely pathogenic. Review status: criteria provided, multiple submitters, no conflicts (2 of 4 stars). 3 submissions from 3 submitters: Pathogenic (2); Likely pathogenic (1). Last evaluated 2025-06-19.

Conditions:
TTN-related disorder. Also called: TTN-related disorders; TTN-related condition; TTN-related disease.
Dilated cardiomyopathy 1G (CMD1G). Identifiers: Orphanet 154, MedGen C1858763, MONDO:0011400, OMIM 604145.
Autosomal recessive limb-girdle muscular dystrophy type 2J (LGMDR10). Also called: Limb-girdle muscular dystrophy, type 2J; MUSCULAR DYSTROPHY, LIMB-GIRDLE, AUTOSOMAL RECESSIVE 10. Identifiers: Orphanet 140922, MedGen C1837342, MONDO:0012127, OMIM 608807.

Submissions (3):

Clinical Genetics Laboratory, Region Ostergotland
Classification: Likely pathogenic for Dilated cardiomyopathy 1G. Last evaluated: 2025-06-19. Review status: criteria provided, single submitter. Criteria: ACMG Guidelines, 2015. Collection method: clinical testing. Allele origin: inherited. Affected: yes. Observed: 2 heterozygotes.
Comment: The following ACMG/AMP criteria were applied in classifying this variant: PVS1, PM2

Labcorp Genetics (formerly Invitae), Labcorp
Classification: Pathogenic for Dilated cardiomyopathy 1G; Autosomal recessive limb-girdle muscular dystrophy type 2J. Last evaluated: 2023-10-22. Review status: criteria provided, single submitter. Criteria: Invitae Variant Classification Sherloc (09022015). Collection method: clinical testing. Allele origin: germline.
Comment: This sequence change creates a premature translational stop signal (p.Glu27315Asnfs*35) in the TTN gene. While this is not anticipated to result in nonsense mediated decay, it is expected to create a truncated TTN protein. This variant is not present in population databases (gnomAD no frequency). This premature translational stop signal has been observed in individuals with dilated cardiomyopathy (PMID: 27886618; Invitae). This variant is located in the A band of TTN (PMID: 25589632). Truncating variants in this region are significantly overrepresented in patients affected with dilated cardiomyopathy (PMID: 25589632). Truncating variants in this region have also been reported in individuals affected with autosomal recessive centronuclear myopathy (PMID: 23975875). For these reasons, this variant has been classified as Pathogenic.

Blueprint Genetics
Classification: Pathogenic for TTN-related disorders. Last evaluated: 2023-08-16. Review status: criteria provided, single submitter. Criteria: ACMG Guidelines, 2015. Collection method: clinical testing. Allele origin: germline. Affected: yes. Observed: 5 variant alleles.

Literature cited by the submitters: PubMed 27886618 (cited by Labcorp Genetics (formerly Invitae), Labcorp); PubMed 25589632 (cited by Labcorp Genetics (formerly Invitae), Labcorp); PubMed 23975875 (cited by Labcorp Genetics (formerly Invitae), Labcorp).